The following is an entry in ClinVar:

ClinVar aggregate classification (germline): Likely pathogenic (1 of 4 stars; one submission).

Conditions:
Familial adenomatous polyposis 1 (FAP1). Also called: POLYPOSIS, ADENOMATOUS INTESTINAL; FAMILIAL ADENOMATOUS POLYPOSIS 1, ATTENUATED. Identifiers: MedGen C2713442, MONDO:0021056, OMIM 175100. Disease mechanism: loss of function.

Submission:

Labcorp Genetics (formerly Invitae), Labcorp
Classification: Likely pathogenic for Familial adenomatous polyposis 1. Last evaluated: 2023-12-29. Review status: criteria provided, single submitter. Criteria: Invitae Variant Classification Sherloc (09022015). Collection method: clinical testing. Allele origin: unknown.
Comment: This variant results in the deletion of part of exon 16 (c.1959-921_2629del) of the APC gene. While this variant is not anticipated to result in nonsense mediated decay, it likely alters RNA splicing and results in a disrupted protein product. Disruption of this splice site has been observed in individuals with clinical features of familial adenomatous polyposis (PMID: 15459959, 20685668; Invitae). Variants that disrupt the consensus splice site are a relatively common cause of aberrant splicing (PMID: 17576681, 9536098). In summary, the currently available evidence indicates that the variant is pathogenic, but additional data are needed to prove that conclusively. Therefore, this variant has been classified as Likely Pathogenic.

Literature cited by the submitters: PubMed 15459959; PubMed 20685668; PubMed 17576681; PubMed 9536098.

NC_000005.9:g.(?_112172329)_(112173920_?)del

Gene: APC (APC regulator of Wnt signaling pathway; plus strand). Cytogenetic location: 5q22.2.
Variant type: Deletion.
Identifiers: ClinVar variation 3246382 (VCV003246382.1).